The following is an entry in ClinVar:

NM_032801.5(JAM3):c.876C>G (p.Asn292Lys)

Gene: JAM3 (junctional adhesion molecule 3; plus strand). Cytogenetic location: 11q25.
Variant type: single nucleotide variant.
Coding change: c.876C>G on transcript NM_032801.5 (MANE Select); coding-DNA position 876, C replaced by G.
Protein change: p.Asn292Lys; replaces asparagine 292 with lysine.
Molecular consequence: missense variant.
Genome position (GRCh38, 1-based): chr11:134,148,797, C>G. VCF-style: chr11-134148797-C-G. GRCh37 (hg19) VCF-style: chr11-134018692-C-G.
Other names: c.876C>G (NM_032801.4); c.723C>G, p.Asn241Lys (NM_001205329.2); short protein forms N241K, N292K.
Identifiers: ClinVar variation 1581853 (VCV001581853.13), dbSNP rs146383325, ClinGen allele CA6370250.
Genomic context (GRCh38, chr11:134,148,797, plus strand): 5'-TGCTAAACTGCTCTCTTCTCCTCATAGTTACAAGAACCCAGGGAAACCAGATGGAGTTAA[C>G]TACATCCGCACTGACGAGGAGGTAATCATTTAGTAAACCTGGAAACCTAGGTGTACCCAG-3'
Protein context (NP_116190.3, residues 282-302): YKNPGKPDGV[Asn292Lys]YIRTDEEGDF

ClinVar aggregate classification (germline): Conflicting classifications of pathogenicity. Review status: criteria provided, conflicting classifications (1 of 4 stars). 3 submissions from 3 submitters: Uncertain significance (1); Likely benign (1). 1 of the submissions does not count toward it. Last evaluated 2026-01-05.

Conditions:
JAM3-related disorder. Also called: JAM3-related condition.
Porencephaly-microcephaly-bilateral congenital cataract syndrome. Identifiers: Orphanet 306547, MedGen C3151000, MONDO:0013394, OMIM 613730.

Allele frequency attached by ClinVar (database versions not stated): gnomAD exomes 0.00017; ExAC 0.00021; 1000 Genomes Project 30x 0.00031; 1000 Genomes Project 0.00040; TOPMed 0.00066; gnomAD 0.00070 and 0.00076; ESP Exome Variant Server 0.00077.
gnomAD v4.1: 194 of 1,614,160 alleles (0.012%); highest among the groups gnomAD compares: African/African-American, 0.22%; no homozygotes.

Submissions (3):

Labcorp Genetics (formerly Invitae), Labcorp
Classification: Likely benign. Last evaluated: 2026-01-05. Review status: criteria provided, single submitter. Criteria: Invitae Variant Classification Sherloc (09022015). Collection method: clinical testing. Allele origin: germline.

Revvity Omics, Revvity
Classification: Uncertain significance for Porencephaly-microcephaly-bilateral congenital cataract syndrome. Last evaluated: 2021-11-26. Review status: criteria provided, single submitter. Criteria: ACMG Guidelines, 2015. Collection method: clinical testing. Allele origin: germline.

PreventionGenetics, part of Exact Sciences
Classification: Likely benign for JAM3-related condition. Last evaluated: 2022-11-29. Review status: no assertion criteria provided. Collection method: clinical testing. Allele origin: germline. Not counted in ClinVar's aggregate classification.
Comment: This variant is classified as likely benign based on ACMG/AMP sequence variant interpretation guidelines (Richards et al. 2015 PMID: 25741868, with internal and published modifications).